The following is an entry in ClinVar:

ClinVar aggregate classification (germline): Uncertain significance (1 of 4 stars; one submission).

Conditions:
Oto-palato-digital syndrome, type II (OPD2). Also called: Otopalatodigital Syndrome Type 2 (FLNA-OPD2); FACIOPALATOOSSEOUS SYNDROME; OPD II SYNDROME; Otopalatodigital Syndrome, Type II. Identifiers: Orphanet 669, Orphanet 90652, MedGen C1844696, MONDO:0010571, OMIM 304120.
Heterotopia, periventricular, X-linked dominant (PVNH1). Also called: PERIVENTRICULAR NODULAR HETEROTOPIA 1; X-linked periventricular heterotopia; PERIVENTRICULAR NODULAR HETEROTOPIA 4; HETEROTOPIA, PERIVENTRICULAR, 1. Identifiers: Orphanet 2149, Orphanet 82004, MedGen C1848213, MONDO:0010233, OMIM 300049.
Melnick-Needles syndrome (MNS). Also called: Melnick-Needles Syndrome (FLNA-MNS); MELNICK-NEEDLES OSTEODYSPLASTY; OSTEODYSPLASTY OF MELNICK AND NEEDLES. Identifiers: Orphanet 2484, MedGen C0025237, MONDO:0010650, OMIM 309350.
Frontometaphyseal dysplasia (FMD1). Identifiers: Orphanet 1826, MedGen C0265293, MONDO:0015942.

gnomAD v4.1: 3 of 1,196,006 alleles (0.00025%); highest among the groups gnomAD compares: Non-Finnish European, 0.00023%; no homozygotes.

Submission:

Labcorp Genetics (formerly Invitae), Labcorp
Classification: Uncertain significance for Oto-palato-digital syndrome, type II; Heterotopia, periventricular, X-linked dominant; Frontometaphyseal dysplasia; Melnick-Needles syndrome. Last evaluated: 2025-12-11. Review status: criteria provided, single submitter. Criteria: Invitae Variant Classification Sherloc (09022015). Collection method: clinical testing. Allele origin: germline.
Comment: This sequence change replaces threonine, which is neutral and polar, with lysine, which is basic and polar, at codon 23 of the FLNA protein (p.Thr23Lys). This variant is not present in population databases (gnomAD no frequency). This variant has not been reported in the literature in individuals affected with FLNA-related conditions. ClinVar contains an entry for this variant (Variation ID: 2926020). Invitae Evidence Modeling of protein sequence and biophysical properties (such as structural, functional, and spatial information, amino acid conservation, physicochemical variation, residue mobility, and thermodynamic stability) indicates that this missense variant is not expected to disrupt FLNA protein function with a negative predictive value of 95%. In summary, the available evidence is currently insufficient to determine the role of this variant in disease. Therefore, it has been classified as a Variant of Uncertain Significance.

NM_001110556.2(FLNA):c.68C>A (p.Thr23Lys)

Gene: FLNA (filamin A; minus strand). Cytogenetic location: Xq28.
Variant type: single nucleotide variant.
Coding change: c.68C>A on transcript NM_001110556.2 (MANE Select); coding-DNA position 68, C replaced by A.
Protein change: p.Thr23Lys; replaces threonine 23 with lysine.
Molecular consequence: missense variant.
Genome position (GRCh38, 1-based): chrX:154,371,178, G>T on the plus strand (C>A on the coding strand, the complement: FLNA is on the minus strand). VCF-style: chrX-154371178-G-T. GRCh37 (hg19) VCF-style: chrX-153599546-G-T.
Other names: c.68C>A, p.Thr23Lys (NM_001456.4); short protein forms T23K.
Identifiers: ClinVar variation 2926020 (VCV002926020.3), dbSNP rs1034838081, ClinGen allele CA415255709.